The following is an entry in ClinVar:

NM_000138.5(FBN1):c.6038_6040dup (p.Asp2013_Ile2014insAsn)

Gene: FBN1 (fibrillin 1; minus strand). Cytogenetic location: 15q21.1.
Variant type: Duplication.
Coding change: c.6038_6040dup on transcript NM_000138.5 (MANE Select); coding-DNA positions 6038 to 6040, 3 bases duplicated (ATA; older notation c.6038_6040dupATA).
Protein change: p.Asp2013_Ile2014insAsn.
Molecular consequence: inframe insertion.
Genome position (GRCh38, 1-based): chr15:48,441,844-48,441,846, TAT duplicated on the plus strand (ATA on the coding strand, the reverse complement: FBN1 is on the minus strand). VCF-style (leftmost placement, unchanged base first): chr15-48441843-A-ATAT. GRCh37 (hg19) VCF-style: chr15-48734040-A-ATAT.
Other names: c.6038_6040dupATA (NM_000138.4).
Identifiers: ClinVar variation 653346 (VCV000653346.8), dbSNP rs1597529929, ClinGen allele CA915945983.
Genomic context (GRCh38, chr15:48,441,843, plus strand): 5'-CCTTCAGTGTTACTGCATGTGCCCAGGGCACAAATTTCTGGCTCTTCGACACACTCATCA[A>ATAT]TATCTAAAAGAATCACATGAGTCAAACAAAGTCAAAACACGATGGAGACATCATCAGGTA-3'

ClinVar aggregate classification (germline): Uncertain significance (1 of 4 stars; one submission).

Conditions:
Familial thoracic aortic aneurysm and aortic dissection (TAAD). Also called: Thoracic aortic aneurysms and dissections. Identifiers: Orphanet 91387, MedGen C4707243, MONDO:0019625.
Marfan syndrome (MFS). Also called: FBN1-Related Marfan Syndrome; Marfan syndrome type 1; Marfan's syndrome; Marfan syndrome, classic; MARFAN SYNDROME, TYPE I. Identifiers: Orphanet 284963, Orphanet 558, MedGen C0024796, MONDO:0007947, OMIM 154700.

Submission:

Labcorp Genetics (formerly Invitae), Labcorp
Classification: Uncertain significance for Marfan syndrome; Familial thoracic aortic aneurysm and aortic dissection. Last evaluated: 2018-09-10. Review status: criteria provided, single submitter. Criteria: Invitae Variant Classification Sherloc (09022015). Collection method: clinical testing. Allele origin: germline.
Comment: This variant, c.6038_6040dupATA, results in the insertion of 1 amino acid(s) to the FBN1 protein (p.Asp2013_Ile2014insAsn), but otherwise preserves the integrity of the reading frame. This variant is not present in population databases (ExAC no frequency). This variant has not been reported in the literature in individuals with FBN1-related disease. Experimental studies and prediction algorithms are not available for this variant, and the functional significance of the affected amino acid(s) is currently unknown. In summary, the available evidence is currently insufficient to determine the role of this variant in disease. Therefore, it has been classified as a Variant of Uncertain Significance.